The following is an entry in ClinVar:

NM_004960.4(FUS):c.191-1G>A

Gene: FUS (FUS RNA binding protein; plus strand). Cytogenetic location: 16p11.2.
Variant type: single nucleotide variant.
Coding change: c.191-1G>A on transcript NM_004960.4 (MANE Select); the canonical splice acceptor site of the intron before coding-DNA position 191, G replaced by A.
Molecular consequence: splice acceptor variant. On other transcripts: intron variant (1).
Genome position (GRCh38, 1-based): chr16:31,183,857, G>A. VCF-style: chr16-31183857-G-A. GRCh37 (hg19) VCF-style: chr16-31195178-G-A.
Other names: c.191-1G>A (NM_001170937.1); c.191-4G>A (NM_001170634.1).
Identifiers: ClinVar variation 1782514 (VCV001782514.2), dbSNP rs1464931188, ClinGen allele CA395666332.

ClinVar aggregate classification (germline): Uncertain significance (1 of 4 stars; one submission).

Conditions:
Inborn genetic diseases. Identifiers: MedGen C0950123, MeSH D030342.

Allele frequency attached by ClinVar (database versions not stated): gnomAD exomes below 0.00001.
gnomAD v4.1: 1 of 1,614,086 alleles (0.000062%); highest among the groups gnomAD compares: Middle Eastern, 0.016%; no homozygotes.

Submission:

Ambry Genetics
Classification: Uncertain significance for Inborn genetic diseases. Last evaluated: 2019-12-21. Review status: criteria provided, single submitter. Criteria: Ambry Variant Classification Scheme 2023. Collection method: clinical testing. Allele origin: germline.
Comment: The c.191-1G>A intronic variant results from a G to A substitution one nucleotide upstream from coding exon 4 of the FUS gene. Alterations that disrupt the canonical splice site are expected to cause aberrant splicing, resulting in an abnormal protein or a transcript that is subject to nonsense-mediated mRNA decay. This splice prediction software predicts that this alteration will abolish the native splice acceptor site, however, due to the presence of a nearby cryptic acceptor the functional impact of this alteration is unknown. This nucleotide position is well conserved in available vertebrate species. Since supporting evidence is limited at this time, the clinical significance of this alteration remains unclear.